The following is an entry in ClinVar:

ClinVar aggregate classification (germline): Uncertain significance (1 of 4 stars; one submission).

Submission:

Labcorp Genetics (formerly Invitae), Labcorp
Classification: Uncertain significance. Last evaluated: 2022-08-26. Review status: criteria provided, single submitter. Criteria: Invitae Variant Classification Sherloc (09022015). Collection method: clinical testing. Allele origin: germline.
Comment: In summary, the available evidence is currently insufficient to determine the role of this variant in disease. Therefore, it has been classified as a Variant of Uncertain Significance. Algorithms developed to predict the effect of missense changes on protein structure and function (SIFT, PolyPhen-2, Align-GVGD) all suggest that this variant is likely to be tolerated. This variant has not been reported in the literature in individuals affected with UMOD-related conditions. This variant is not present in population databases (gnomAD no frequency). This sequence change replaces aspartic acid, which is acidic and polar, with tyrosine, which is neutral and polar, at codon 339 of the UMOD protein (p.Asp339Tyr).

NM_003361.4(UMOD):c.1015G>T (p.Asp339Tyr)

Gene: UMOD (uromodulin; minus strand). Cytogenetic location: 16p12.3.
Variant type: single nucleotide variant.
Coding change: c.1015G>T on transcript NM_003361.4 (MANE Select); coding-DNA position 1015, G replaced by T.
Protein change: p.Asp339Tyr; replaces aspartic acid 339 with tyrosine.
Molecular consequence: missense variant. On other transcripts: non-coding transcript variant (1).
Genome position (GRCh38, 1-based): chr16:20,346,293, C>A on the plus strand (G>T on the coding strand, the complement: UMOD is on the minus strand). VCF-style: chr16-20346293-C-A. GRCh37 (hg19) VCF-style: chr16-20357615-C-A.
Other names: c.1015G>T, p.Asp339Tyr (NM_001008389.3, NM_001378232.1, NM_001378233.1 and 3 more transcripts); c.1114G>T, p.Asp372Tyr (NM_001278614.2); short protein forms D339Y, D372Y.
Identifiers: ClinVar variation 1717873 (VCV001717873.5), dbSNP rs1306758476, ClinGen allele CA394983539.